The following is an entry in ClinVar:

ClinVar aggregate classification (germline): Uncertain significance (1 of 4 stars; one submission).

Conditions:
Hypertrophic cardiomyopathy. Also called: HYPERTROPHIC MYOCARDIOPATHY. Identifiers: Orphanet 217569, MedGen C0007194, MeSH D002312, MONDO:0005045, HP:0001639.

Submission:

Labcorp Genetics (formerly Invitae), Labcorp
Classification: Uncertain significance for Hypertrophic cardiomyopathy. Last evaluated: 2023-06-06. Review status: criteria provided, single submitter. Criteria: Invitae Variant Classification Sherloc (09022015). Collection method: clinical testing. Allele origin: germline.
Comment: In summary, the available evidence is currently insufficient to determine the role of this variant in disease. Therefore, it has been classified as a Variant of Uncertain Significance. Experimental studies and prediction algorithms are not available or were not evaluated, and the effect of this variant on mRNA splicing is currently unknown. ClinVar contains an entry for this variant (Variation ID: 2140735). This variant has not been reported in the literature in individuals affected with MYH7-related conditions. Information on the frequency of this variant in the gnomAD database is not available, as this variant may be reported differently in the database. This sequence change falls in intron 33 of the MYH7 gene. It does not directly change the encoded amino acid sequence of the MYH7 protein.

NM_000257.4(MYH7):c.4644+11_4644+12delinsAG

Genes: MHRT (myosin heavy chain associated RNA transcript; plus strand), MYH7 (myosin heavy chain 7; minus strand). Cytogenetic location: 14q11.2.
Variant type: Indel.
Coding change: c.4644+11_4644+12delinsAG on transcript NM_000257.4 (MANE Select); bases 11 to 12 of the intron after coding-DNA position 4644, GT replaced by AG.
Molecular consequence: intron variant.
Genome position (GRCh38, 1-based): chr14:23,416,856-23,416,857, AC replaced by CT on the plus strand (GT replaced by AG on the coding strand, the reverse complement: MYH7 is on the minus strand). VCF-style: chr14-23416856-AC-CT. GRCh37 (hg19) VCF-style: chr14-23886065-AC-CT.
Identifiers: ClinVar variation 2140735 (VCV002140735.2), dbSNP rs2502248310, ClinGen allele CA2580087888.
Genomic context (GRCh38, chr14:23,416,856, plus strand): 5'-CGGGGGATGAGAACAGGGACCAAAAGCCTGGAGCTCAGCTCCCTGCACCCCGTGCCCTGC[AC>CT]ACACACACACCTCGGCCTCCTCCAGGGCTGACTGCAGCTCCATCTTCTCGGCCTCCAGCT-3'